The following is an entry in ClinVar:

ClinVar aggregate classification (germline): Uncertain significance. Review status: criteria provided, multiple submitters, no conflicts (2 of 4 stars). 2 submissions from 2 submitters: Uncertain significance (2). Last evaluated 2023-10-23.

Conditions:
Hereditary breast ovarian cancer syndrome. Also called: Hereditary breast and ovarian cancer syndrome (HBOC); Hereditary breast and ovarian cancer; BRCA1- and BRCA2-Associated Hereditary Breast and Ovarian Cancer; Hereditary breast and ovarian cancer syndrome; Breast and ovarian cancer; Hereditary breast and/or ovarian cancer syndrome. Identifiers: Orphanet 145, MedGen C0677776, MeSH D061325, MONDO:0003582. Disease mechanism: loss of function.
Hereditary cancer-predisposing syndrome. Also called: Neoplastic Syndromes, Hereditary; Tumor predisposition; Hereditary Cancer Syndrome; Hereditary neoplastic syndrome. Identifiers: Orphanet 140162, MedGen C0027672, MeSH D009386, MONDO:0015356.

Submissions (2):

Labcorp Genetics (formerly Invitae), Labcorp
Classification: Uncertain significance for Hereditary breast ovarian cancer syndrome. Last evaluated: 2023-10-23. Review status: criteria provided, single submitter. Criteria: Invitae Variant Classification Sherloc (09022015). Collection method: clinical testing. Allele origin: germline.
Comment: This sequence change replaces threonine, which is neutral and polar, with alanine, which is neutral and non-polar, at codon 2338 of the BRCA2 protein (p.Thr2338Ala). This variant is not present in population databases (gnomAD no frequency). This variant has not been reported in the literature in individuals affected with BRCA2-related conditions. ClinVar contains an entry for this variant (Variation ID: 1756692). Advanced modeling of protein sequence and biophysical properties (such as structural, functional, and spatial information, amino acid conservation, physicochemical variation, residue mobility, and thermodynamic stability) performed at Invitae indicates that this missense variant is not expected to disrupt BRCA2 protein function. Algorithms developed to predict the effect of sequence changes on RNA splicing suggest that this variant may create or strengthen a splice site. In summary, the available evidence is currently insufficient to determine the role of this variant in disease. Therefore, it has been classified as a Variant of Uncertain Significance.

Ambry Genetics
Classification: Uncertain significance for Hereditary cancer-predisposing syndrome. Last evaluated: 2022-09-09. Review status: criteria provided, single submitter. Criteria: Ambry Variant Classification Scheme 2023. Collection method: clinical testing. Allele origin: germline.
Comment: The p.T2338A variant (also known as c.7012A>G), located in coding exon 13 of the BRCA2 gene, results from an A to G substitution at nucleotide position 7012. The threonine at codon 2338 is replaced by alanine, an amino acid with similar properties. This amino acid position is not well conserved in available vertebrate species. In addition, this alteration is predicted to be tolerated by in silico analysis. Since supporting evidence is limited at this time, the clinical significance of this alteration remains unclear.

NM_000059.4(BRCA2):c.7012A>G (p.Thr2338Ala)

Gene: BRCA2 (BRCA2 DNA repair associated; plus strand). Cytogenetic location: 13q13.1.
Variant type: single nucleotide variant.
Coding change: c.7012A>G on transcript NM_000059.4 (MANE Select); coding-DNA position 7012, A replaced by G.
Protein change: p.Thr2338Ala; replaces threonine 2338 with alanine.
Molecular consequence: missense variant.
Genome position (GRCh38, 1-based): chr13:32,354,865, A>G. VCF-style: chr13-32354865-A-G. GRCh37 (hg19) VCF-style: chr13-32929002-A-G.
Other names: c.6916A>G, p.Thr2306Ala (NM_001406719.1); c.7012A>G, p.Thr2338Ala (NM_001406720.1); c.2080A>G, p.Thr694Ala (NM_001406721.1); c.595A>G, p.Thr199Ala (NM_001406722.1); short protein forms T199A, T2338A, T2306A, T694A.
Identifiers: ClinVar variation 1756692 (VCV001756692.5), dbSNP rs2137555124, ClinGen allele CA387794081.